The following is an entry in ClinVar:

ClinVar aggregate classification (germline): Uncertain significance (1 of 4 stars; one submission).

Conditions:
DNA ligase IV deficiency. Identifiers: Orphanet 99812, MedGen C1847827, MONDO:0011686, OMIM 606593.

Allele frequency attached by ClinVar (database versions not stated): gnomAD exomes below 0.00001.
gnomAD v4.1: 3 of 1,614,086 alleles (0.00019%); highest among the groups gnomAD compares: Non-Finnish European, 0.00025%; no homozygotes.

Submission:

Laboratorio de Genetica e Diagnostico Molecular, Hospital Israelita Albert Einstein
Classification: Uncertain significance for DNA ligase IV deficiency. Last evaluated: 2022-06-09. Review status: criteria provided, single submitter. Criteria: ACMG Guidelines, 2015. Collection method: clinical testing. Allele origin: germline. Affected: yes.
Comment: ACMG classification criteria: PM2 moderated, BP4 supporting

NM_206937.2(LIG4):c.1973T>C (p.Ile658Thr)

Gene: LIG4 (DNA ligase 4; minus strand). Cytogenetic location: 13q33.3.
Variant type: single nucleotide variant.
Coding change: c.1973T>C on transcript NM_206937.2 (MANE Select); coding-DNA position 1973, T replaced by C.
Protein change: p.Ile658Thr; replaces isoleucine 658 with threonine.
Molecular consequence: missense variant.
Genome position (GRCh38, 1-based): chr13:108,209,296, A>G on the plus strand (T>C on the coding strand, the complement: LIG4 is on the minus strand). VCF-style: chr13-108209296-A-G. GRCh37 (hg19) VCF-style: chr13-108861644-A-G.
Other names: c.1973T>C, p.Ile658Thr (NM_001098268.2, NM_001352598.2, NM_001352599.2 and 6 more transcripts); c.1772T>C, p.Ile591Thr (NM_001330595.2); c.2009T>C, p.Ile670Thr (NM_001352604.2); short protein forms I591T, I658T, I670T.
Identifiers: ClinVar variation 2431884 (VCV002431884.2), dbSNP rs1878307794, ClinGen allele CA388614908.